The following is an entry in ClinVar:

NM_000238.4(KCNH2):c.1582C>T (p.Arg528Trp)

Gene: KCNH2 (potassium voltage-gated channel subfamily H member 2; minus strand). Cytogenetic location: 7q36.1.
Variant type: single nucleotide variant.
Coding change: c.1582C>T on transcript NM_000238.4 (MANE Select); coding-DNA position 1582, C replaced by T.
Protein change: p.Arg528Trp; replaces arginine 528 with tryptophan.
Molecular consequence: missense variant.
Genome position (GRCh38, 1-based): chr7:150,951,811, G>A on the plus strand (C>T on the coding strand, the complement: KCNH2 is on the minus strand). VCF-style: chr7-150951811-G-A. GRCh37 (hg19) VCF-style: chr7-150648899-G-A.
Other names: c.562C>T, p.Arg188Trp (NM_001204798.2, NM_172057.3); c.1294C>T, p.Arg432Trp (NM_001406753.1, NM_001406756.1); c.1405C>T, p.Arg469Trp (NM_001406755.1); c.1282C>T, p.Arg428Trp (NM_001406757.1); c.1582C>T, p.Arg528Trp (NM_172056.3); short protein forms R188W, R528W, R469W, R428W, R432W.
Identifiers: ClinVar variation 220162 (VCV000220162.16), dbSNP rs864622403, ClinGen allele CA350793.
Genomic context (GRCh38, chr7:150,951,811, plus strand): 5'-CCGCGCCGTACTCTGAGTAGCGATCCAGCTTCCGCGCCACGCGCACCAGCCGCAGCAGCC[G>A]CGCAGTCTTCAGCAGCCCGATCAGCTGGGGGACAGGGAAGGGGCACATTCCGTTGATGGG-3'
Protein context (NP_000229.1, residues 518-538): EELIGLLKTA[Arg528Trp]LLRLVRVARK

ClinVar aggregate classification (germline): Conflicting classifications of pathogenicity. Review status: criteria provided, conflicting classifications (1 of 4 stars). 5 submissions from 5 submitters: Likely pathogenic (1); Uncertain significance (4). Last evaluated 2023-06-05.

Conditions:
Long QT syndrome (LQTS). Identifiers: MedGen C0023976, MeSH D008133, MONDO:0002442. Disease mechanism: loss of function. Inheritance: Various modes of inheritance.
Cardiovascular phenotype. Identifiers: MedGen CN230736.
KCNH2-related disorder. Also called: KCNH2-related disorders; KCNH2-related condition.
Cardiac arrhythmia. Also called: Cardiac rhythm disease; Arrhythmia. Identifiers: MedGen C0003811, MONDO:0007263, HP:0011675.

Allele frequency attached by ClinVar (database versions not stated): TOPMed below 0.00001; gnomAD 0.00001.

Submissions (5):

Labcorp Genetics (formerly Invitae), Labcorp
Classification: Uncertain significance for Long QT syndrome. Last evaluated: 2023-06-05. Review status: criteria provided, single submitter. Criteria: Invitae Variant Classification Sherloc (09022015). Collection method: clinical testing. Allele origin: germline.
Comment: Experimental studies have shown that this missense change affects KCNH2 function (PMID: 16166152). In summary, the available evidence is currently insufficient to determine the role of this variant in disease. Therefore, it has been classified as a Variant of Uncertain Significance. This variant is not present in population databases (gnomAD no frequency). This missense change has been observed in individual(s) with long QT syndrome (PMID: 31737537; Invitae). ClinVar contains an entry for this variant (Variation ID: 220162). An algorithm developed to predict the effect of missense changes on protein structure and function (PolyPhen-2) suggests that this variant is likely to be disruptive. This sequence change replaces arginine, which is basic and polar, with tryptophan, which is neutral and slightly polar, at codon 528 of the KCNH2 protein (p.Arg528Trp).

GeneDx
Classification: Uncertain significance. Last evaluated: 2022-05-12. Review status: criteria provided, single submitter. Criteria: GeneDx Variant Classification Process June 2021. Collection method: clinical testing. Allele origin: germline. Affected: yes.
Comment: Reported in association with LQTS in published literature (Marschall et al., 2019), however, patient-specific information not provided; Not observed at significant frequency in large population cohorts (gnomAD); In silico analysis supports that this missense variant has a deleterious effect on protein structure/function; This variant is associated with the following publications: (PMID: 16166152, 31737537)

Blueprint Genetics
Classification: Likely pathogenic for KCNH2-related disorders. Last evaluated: 2022-01-26. Review status: criteria provided, single submitter. Criteria: ACMG Guidelines, 2015. Collection method: clinical testing. Allele origin: germline. Affected: yes. Observed: 2 variant alleles.

Ambry Genetics
Classification: Uncertain significance for Cardiovascular phenotype. Last evaluated: 2018-12-06. Review status: criteria provided, single submitter. Criteria: Ambry Variant Classification Scheme 2023. Collection method: clinical testing. Allele origin: germline.
Comment: The p.R528W variant (also known as c.1582C>T), located in coding exon 7 of the KCNH2 gene, results from a C to T substitution at nucleotide position 1582. The arginine at codon 528 is replaced by tryptophan, an amino acid with dissimilar properties. This alteration has been previously reported in a cohort of individuals referred for long QT syndrome genetic testing, but clinical details were limited (Lieve KV et al. Genet Test Mol Biomarkers. 2013;17:553-61). In vitro functional studies in Xenopus oocytes has suggested that this variant may impact protein function; however, the physiological relevance of that impact is unclear (Subbiah RN et al. J. Physiol. (Lond.). 2005;569:367-79). This amino acid position is highly conserved in available vertebrate species. In addition, this alteration is predicted to be deleterious by in silico analysis. Since supporting evidence is limited at this time, the clinical significance of this alteration remains unclear.

Color Diagnostics, LLC DBA Color Health
Classification: Uncertain significance for Arrhythmia. Last evaluated: 2018-10-30. Review status: criteria provided, single submitter. Criteria: ACMG Guidelines, 2015. Collection method: clinical testing. Allele origin: germline.
Comment: Variant of Uncertain Significance due to insufficient evidence: This missense variant is located in the transmembrane domain S4 of the KCNH2 protein. Computational prediction tools and conservation analyses suggest that this variant may have deleterious impact on the protein function. Computational splicing tools suggest that this variant may not impact RNA splicing. An experimental functional study has shown that this variant decreases the rate of deactivation and and increase the rate of activation of the potassium channel (PMID: 16166152). However, clinical significance of this finding is not clear. To our knowledge, this variant has not been reported in individuals affected with cardiovascular disorders in the literature. This variant is rare in the general population and has been identified in 0/277264 chromosomes by the Genome Aggregation Database (gnomAD). Available evidence is insufficient to determine the pathogenicity of this variant conclusively.

Literature cited by the submitters: PubMed 16166152 (cited by Labcorp Genetics (formerly Invitae), Labcorp and Ambry Genetics); PubMed 31737537 (cited by Labcorp Genetics (formerly Invitae), Labcorp); PubMed 23631430 (cited by Ambry Genetics).